The following is an entry in ClinVar:

NM_001040108.2(MLH3):c.3428C>T (p.Ser1143Leu)

Gene: MLH3 (mutL homolog 3; minus strand). Cytogenetic location: 14q24.3.
Variant type: single nucleotide variant.
Coding change: c.3428C>T on transcript NM_001040108.2 (MANE Select); coding-DNA position 3428, C replaced by T.
Protein change: p.Ser1143Leu; replaces serine 1143 with leucine.
Molecular consequence: missense variant.
Genome position (GRCh38, 1-based): chr14:75,041,652, G>A on the plus strand (C>T on the coding strand, the complement: MLH3 is on the minus strand). VCF-style: chr14-75041652-G-A. GRCh37 (hg19) VCF-style: chr14-75508355-G-A.
Other names: c.3428C>T, p.Ser1143Leu (NM_014381.3); short protein forms S1143L.
Identifiers: ClinVar variation 4108610 (VCV004108610.1).

ClinVar aggregate classification (germline): Uncertain significance (1 of 4 stars; one submission).

Submission:

Ambry Genetics
Classification: Uncertain significance. Last evaluated: 2025-06-28. Review status: criteria provided, single submitter. Criteria: Ambry Variant Classification Scheme 2023. Collection method: clinical testing. Allele origin: germline.
Comment: The p.S1143L variant (also known as c.3428C>T), located in coding exon 3 of the MLH3 gene, results from a C to T substitution at nucleotide position 3428. The serine at codon 1143 is replaced by leucine, an amino acid with dissimilar properties. This amino acid position is conserved. In addition, the in silico prediction for this alteration is inconclusive. Based on the available evidence, the clinical significance of this variant remains unclear.